The following continues an entry in ClinVar:

NM_000059.4(BRCA2):c.9117G>A (p.Pro3039=)

Gene: BRCA2. ClinVar aggregate classification (germline): Pathogenic. Pathogenic (1).

Submissions 7 to 16 of 42:

Ambry Genetics
Classification: Pathogenic for Hereditary cancer-predisposing syndrome. Last evaluated: 2025-04-18. Review status: criteria provided, single submitter. Criteria: Ambry Variant Classification Scheme 2023. Collection method: clinical testing. Allele origin: germline. Not counted in ClinVar's aggregate classification.
Comment: The c.9117G>A pathogenic mutation (also known as p.P3039P), located in coding exon 22 of the BRCA2 gene, results from a G to A substitution at nucleotide position 9117. This nucleotide substitution does not change the proline at codon 3039. In silico splice site analysis predicts that this alteration will weaken the native splice donor site. However, this change occurs in the last base pair of coding exon 22 and has been shown to cause aberrant RNA transcripts due to exon skipping that results in a frameshift at codon 2985 and premature protein truncation (V2985Gfs*3) (Ambry internal data; Houdayer C et al. Hum. Mutat. 2012 Aug;33:1228-38; Acedo A et al. Hum. Mutat. 2015 Feb;36:210-21). This alteration has been reported in multiple families with hereditary breast and/or ovarian cancer (Hamann U et al. J. Med. Genet. 2002 Mar;39:E12; Spurdle AB et al. J. Clin. Oncol. 2008 Apr;26:1657-63; Fong PC et al. J. Clin. Oncol. 2010 May;28:2512-9; Novakovi S et al. Int. J. Oncol. 2012 Nov;41:1619-27; Takahashi M et al. Breast Cancer. 2017 Mar;24(2):336-340; Heramb C et al. Hered Cancer Clin Pract 2018 Jan;16:3; Arai M et al. J. Hum. Genet. 2018 Apr;63(4):447-457). Of note, this mutation is also designated as 9345G>A in published literature. Based on the supporting evidence, this alteration is interpreted as a disease-causing mutation.

Center for Genomic Medicine, Rigshospitalet, Copenhagen University Hospital
Classification: Pathogenic. Last evaluated: 2025-03-04. Review status: criteria provided, single submitter. Criteria: ACMG Guidelines, 2015. Collection method: clinical testing. Allele origin: germline. Not counted in ClinVar's aggregate classification.

GeneDx
Classification: Pathogenic. Last evaluated: 2024-06-17. Review status: criteria provided, single submitter. Criteria: GeneDx Variant Classification Process June 2021. Collection method: clinical testing. Allele origin: germline. Affected: yes. Not counted in ClinVar's aggregate classification.
Comment: Alters the last nucleotide of the exon and has been demonstrated to cause aberrant splicing, predicted to result in a null allele in a gene for which loss of function is a known mechanism of disease (PMID: 10638982, 17011978, 22632462, 23451180, 25382762); Multifactorial studies suggest this variant is associated with breast and ovarian cancer (PMID: 17924331, 21990134); Published functional studies demonstrate a damaging effect: reduced homology-directed repair (HDR) activity (PMID: 32398771); Observed in multiple breast/ovarian cancer families (PMID: 10638982, 17148771, 22923021, 24156927, 26026974, 28477318, 28724667); Not observed at significant frequency in large population cohorts (gnomAD); Also known as 9345G>A; This variant is associated with the following publications: (PMID: 22798144, 17011978, 22505045, 22632462, 26026974, 25948282, 33309985, 36367610, 35142179, 36881271, 36243179, 34887416, 36113475, 37310942, 35864222, 28477318, 29084914, 34413315, 38075165, 29922827, 28888541, 31447099, 32658311, 17924331, 23451180, 23035815, 22923021, 17148771, 20507642, 22217648, 18375895, 10638982, 9133456, 21324516, 18821011, 25556971, 28008555, 24156927, 27000661, 21702907, 28740454, 28873162, 27271530, 25186627, 28724667, 29805665, 29907814, 29339979, 28825054, 30702160, 31957001, 31143373, 29176636, 31825140, 31892343, 31723001, 35273153, 34645131, 33804961, 34808016, 32338768, 32393398, 32853339, 30787465, 36988593, 36000185, 25382762, 21990134, 32398771)

Baylor Genetics
Classification: Pathogenic for Familial cancer of breast. Last evaluated: 2024-01-31. Review status: criteria provided, single submitter. Criteria: ACMG Guidelines, 2015. Collection method: clinical testing. Allele origin: unknown. Not counted in ClinVar's aggregate classification.

Quest Diagnostics Nichols Institute San Juan Capistrano
Classification: Pathogenic. Last evaluated: 2023-11-29. Review status: criteria provided, single submitter. Criteria: Quest Diagnostics criteria. Collection method: clinical testing. Allele origin: unknown. Not counted in ClinVar's aggregate classification.
Comment: The BRCA2 c.9117G>A (p.Pro3039=) synonymous variant has been reported in the published literature individuals with breast cancer (PMIDs: 32658311 (2021), 29907814 (2018), 29176636 (2018), 28724667 (2017), 10638982 (2000)) and prostate cancer (PMIDs: 32853339 (2021), 28825054 (2017)). Experimental studies have shown that the variant causes the skipping of exon 23, resulting in premature termination in protein synthesis (PMID: 22505045 (2012), 22632462 (2012), 23451180 (2013), and 27060066 (2016)). The frequency of this variant in the general population, 0.000004 (1/248378 chromosomes (Genome Aggregation Database)), is consistent with pathogenicity. Analysis of this variant using software algorithms for the prediction of the effect of nucleotide changes on BRCA2 mRNA splicing yielded inconclusive findings. Based on the available information, this variant is classified as pathogenic.

All of Us Research Program, National Institutes of Health
Classification: Pathogenic for Breast-ovarian cancer, familial, susceptibility to, 2. Last evaluated: 2023-11-09. Review status: criteria provided, single submitter. Criteria: ACMG Guidelines, 2015. Collection method: clinical testing. Allele origin: germline. Inheritance: Autosomal dominant inheritance. Observed: 4 variant alleles, 4 heterozygotes. Not counted in ClinVar's aggregate classification.
Comment: This variant changes a conserved and the last nucleotide in exon 23, and it is predicted to disrupt the intron 23 splice donor site. RNA studies have shown that this variant impacts splicing resulting in exon 23 skipping and introducing premature stop (PMID: 22505045, 23451180, 25382762, 27060066, 31843900, 32393398). This variant is expected to result in an absent or non-functional protein product. This variant has been reported in at least 10 individuals affected with breast or ovarian cancer (PMID: 18821011, 22798144, 24156927, 24249303, 25480878, 25556971, 25948282, 26026974, 27000661, 28477318, 28724667, 30287823). This variant has been identified in 1/248378 chromosomes in the general population by the Genome Aggregation Database (gnomAD). Loss of BRCA2 function is a known mechanism of disease. Based on the available evidence, this variant is classified as Pathogenic.

This study involves interpretation of variants in research participants for the purpose of population health screening. Participant phenotype was not available at the time of variant classification. Additional details can be found in publication PMID: 35346344, PMCID: PMC8962531

Color Diagnostics, LLC DBA Color Health
Classification: Pathogenic for Hereditary cancer-predisposing syndrome. Last evaluated: 2023-04-19. Review status: criteria provided, single submitter. Criteria: ACMG Guidelines, 2015. Collection method: clinical testing. Allele origin: germline. Not counted in ClinVar's aggregate classification.
Comment: This variant changes a conserved and the last nucleotide in exon 23, and it is predicted to disrupt the intron 23 splice donor site. RNA studies have shown that this variant impacts splicing resulting in exon 23 skipping and introducing premature stop (PMID: 22505045, 23451180, 25382762, 27060066, 31843900, 32393398). This variant is expected to result in an absent or non-functional protein product. This variant has been reported in at least 10 individuals affected with breast or ovarian cancer (PMID: 18821011, 22798144, 24156927, 24249303, 25480878, 25556971, 25948282, 26026974, 27000661, 28477318, 28724667, 30287823). This variant has been identified in 1/248378 chromosomes in the general population by the Genome Aggregation Database (gnomAD). Loss of BRCA2 function is a known mechanism of disease. Based on the available evidence, this variant is classified as Pathogenic.

Blueprint Genetics
Classification: Pathogenic for BRCA2-related disorders. Last evaluated: 2023-01-20. Review status: criteria provided, single submitter. Criteria: ACMG Guidelines, 2015. Collection method: clinical testing. Allele origin: germline. Affected: yes. Observed: 3 variant alleles. Not counted in ClinVar's aggregate classification.

Revvity Omics, Revvity
Classification: Pathogenic. Last evaluated: 2022-09-26. Review status: criteria provided, single submitter. Criteria: ACMG Guidelines, 2015. Collection method: clinical testing. Allele origin: germline. Not counted in ClinVar's aggregate classification.

Laboratory for Molecular Medicine, Mass General Brigham Personalized Medicine
Classification: Pathogenic for Hereditary breast ovarian cancer syndrome. Last evaluated: 2022-06-30. Review status: criteria provided, single submitter. Criteria: ACMG Guidelines, 2015. Collection method: clinical testing. Allele origin: germline. Not counted in ClinVar's aggregate classification.
Comment: The p.Pro3039Pro (c.9117G>A) variant in BRCA2 has been reported in at least 16 individuals with BRCA2-related cancer (Peelen 2000 PMID: 10638982, Houdayer 2012 PMID: 22505045, Willems-Jones 2012 PMID: 23035815, de Juan 2015 PMID: 26026974, Corman 2016 PMID: 27000661, Labidi-Galy 2018 PMID: 29084914). It has also been identified in 1/111660 European chromosomes by gnomAD; however, this frequency is low enough to be consistent with the frequency of hereditary breast and ovarian cancer (HBOC) in the general population. This variant has also been identified in ClinVar (Variation ID: 38215). This variant is located in the last base of the exon, which is part of the 5’ splice region. Computational tools predict a splicing impact, and both in vitro studies and testing of patient RNA have shown that this variant results in exon skipping, which is predicted to lead to an absent or truncated protein (Peelen 2000 PMID: 10638982, Acedo 2012 PMID: 22632462, Houdayer 2012 PMID: 22505045, Colombo 2013 PMID: 23451180). Loss of function of the BRCA2 gene is an established disease mechanism in autosomal dominant hereditary breast and ovarian cancer syndrome (HBOC). Another variant, c.9117G>T, resulting in the same synonymous change and predicted splicing impact has also been identified in individuals with BRCA2-related cancers. In summary, this variant meets criteria to be classified as pathogenic for autosomal dominant HBOC. ACMG/AMP Criteria applied: PS3, PM2, PS4.